The following is an entry in ClinVar:

ClinVar aggregate classification (germline): Conflicting classifications of pathogenicity. Review status: criteria provided, conflicting classifications (1 of 4 stars). 4 submissions from 4 submitters: Uncertain significance (1); Likely benign (2). 1 of the submissions does not count toward it. Last evaluated 2025-10-13.

Conditions:
Pitt-Hopkins-like syndrome 2 (PTHSL2). Identifiers: Orphanet 221150, Orphanet 600663, MedGen C3280479, MONDO:0013690, OMIM 614325.
NRXN1-related disorder.

Allele frequency attached by ClinVar (database versions not stated): ExAC 0.00001; TOPMed 0.00002; gnomAD 0.00004; ESP Exome Variant Server 0.00008.
gnomAD v4.1: 26 of 1,614,088 alleles (0.0016%); highest among the groups gnomAD compares: East Asian, 0.0045%; no homozygotes.

Submissions (4):

Labcorp Genetics (formerly Invitae), Labcorp
Classification: Likely benign for Pitt-Hopkins-like syndrome 2. Last evaluated: 2025-10-13. Review status: criteria provided, single submitter. Criteria: Invitae Variant Classification Sherloc (09022015). Collection method: clinical testing. Allele origin: germline.

GeneDx
Classification: Likely benign. Last evaluated: 2020-01-30. Review status: criteria provided, single submitter. Criteria: GeneDx Variant Classification Process June 2021. Collection method: clinical testing. Allele origin: germline. Affected: yes.

Genetic Services Laboratory, University of Chicago
Classification: Uncertain significance. Last evaluated: 2015-08-06. Review status: criteria provided, single submitter. Criteria: ACMG Guidelines, 2015. Collection method: clinical testing. Allele origin: germline. Affected: no.

PreventionGenetics, part of Exact Sciences
Classification: Likely benign for NRXN1-related condition. Last evaluated: 2019-08-01. Review status: no assertion criteria provided. Collection method: clinical testing. Allele origin: germline. Not counted in ClinVar's aggregate classification.
Comment: This variant is classified as likely benign based on ACMG/AMP sequence variant interpretation guidelines (Richards et al. 2015 PMID: 25741868, with internal and published modifications).

NM_001330078.2(NRXN1):c.3675G>A (p.Thr1225=)

Gene: NRXN1 (neurexin 1; minus strand). Cytogenetic location: 2p16.3.
Variant type: single nucleotide variant.
Coding change: c.3675G>A on transcript NM_001330078.2 (MANE Select); coding-DNA position 3675, G replaced by A.
Protein change: p.Thr1225=; no amino-acid change (threonine 1225 retained).
Molecular consequence: synonymous variant.
Genome position (GRCh38, 1-based): chr2:50,091,366, C>T on the plus strand (G>A on the coding strand, the complement: NRXN1 is on the minus strand). VCF-style: chr2-50091366-C-T. GRCh37 (hg19) VCF-style: chr2-50318504-C-T.
Other names: c.3795G>A, p.Thr1265= (NM_001135659.3); c.3651G>A, p.Thr1217= (NM_001330077.2, NM_001330082.2); c.3609G>A, p.Thr1203= (NM_001330083.2, NM_001330084.2); c.3648G>A, p.Thr1216= (NM_001330085.2); c.3675G>A, p.Thr1225= (NM_001330086.2, NM_004801.6); c.3564G>A, p.Thr1188= (NM_001330087.2, NM_001330096.2); c.3594G>A, p.Thr1198= (NM_001330088.2); c.570G>A, p.Thr190= (NM_001330091.2, NM_001330092.2, NM_001330097.2 and 1 more transcripts); and 4 more.
Identifiers: ClinVar variation 436033 (VCV000436033.19), dbSNP rs200179221, ClinGen allele CA1654396.